The following is an entry in ClinVar:

NM_015896.4(ZMYND10):c.299C>T (p.Thr100Ile)

Gene: ZMYND10 (zinc finger MYND-type containing 10; minus strand). Cytogenetic location: 3p21.31.
Variant type: single nucleotide variant.
Coding change: c.299C>T on transcript NM_015896.4 (MANE Select); coding-DNA position 299, C replaced by T.
Protein change: p.Thr100Ile; replaces threonine 100 with isoleucine.
Molecular consequence: missense variant.
Genome position (GRCh38, 1-based): chr3:50,343,753, G>A on the plus strand (C>T on the coding strand, the complement: ZMYND10 is on the minus strand). VCF-style: chr3-50343753-G-A. GRCh37 (hg19) VCF-style: chr3-50381184-G-A.
Other names: c.299C>T, p.Thr100Ile (NM_001308379.2); short protein forms T100I.
Identifiers: ClinVar variation 2066979 (VCV002066979.4), dbSNP rs2470924460, ClinGen allele CA352943980.

ClinVar aggregate classification (germline): Uncertain significance (1 of 4 stars; one submission).

Conditions:
Primary ciliary dyskinesia. Also called: Ciliary dyskinesia. Identifiers: Orphanet 244, MedGen C0008780, MONDO:0016575, HP:0012265.

Submission:

Labcorp Genetics (formerly Invitae), Labcorp
Classification: Uncertain significance for Primary ciliary dyskinesia. Last evaluated: 2022-01-03. Review status: criteria provided, single submitter. Criteria: Invitae Variant Classification Sherloc (09022015). Collection method: clinical testing. Allele origin: germline.
Comment: In summary, the available evidence is currently insufficient to determine the role of this variant in disease. Therefore, it has been classified as a Variant of Uncertain Significance. Algorithms developed to predict the effect of missense changes on protein structure and function are either unavailable or do not agree on the potential impact of this missense change (SIFT: "Deleterious"; PolyPhen-2: "Benign"; Align-GVGD: "Class C15"). This variant has not been reported in the literature in individuals affected with ZMYND10-related conditions. This variant is not present in population databases (gnomAD no frequency). This sequence change replaces threonine, which is neutral and polar, with isoleucine, which is neutral and non-polar, at codon 100 of the ZMYND10 protein (p.Thr100Ile).